The following is an entry in ClinVar:

NM_000400.4(ERCC2):c.436dup (p.Tyr146fs)

Gene: ERCC2 (ERCC excision repair 2, TFIIH core complex helicase subunit; minus strand). Cytogenetic location: 19q13.32.
Variant type: Duplication.
Coding change: c.436dup on transcript NM_000400.4 (MANE Select); coding-DNA position 436, one base duplicated (T; older notation c.436dupT).
Protein change: p.Tyr146fs; shifts the reading frame from tyrosine 146.
Molecular consequence: frameshift variant. On other transcripts: non-coding transcript variant (3).
Genome position (GRCh38, 1-based): chr19:45,365,083, A duplicated on the plus strand (T on the coding strand, the reverse complement: ERCC2 is on the minus strand). VCF-style (leftmost placement, unchanged base first): chr19-45365082-T-TA. GRCh37 (hg19) VCF-style: chr19-45868340-T-TA.
Other names: c.364dup, p.Tyr122fs (NM_001130867.2, NM_001440355.1); c.358dup, p.Tyr120fs (NM_001440356.1); c.313dup, p.Tyr105fs (NM_001440357.1); short protein forms Y105fs, Y120fs, Y122fs, Y146fs.
Identifiers: ClinVar variation 5014770 (VCV005014770.1).

ClinVar aggregate classification (germline): Pathogenic (1 of 4 stars; one submission).

Conditions:
ERCC2-related disorder. Also called: ERCC2-related conditions; ERCC2-related condition; ERCC2-related disorders. Identifiers: MedGen CN239291.

Submission:

Myriad Genetics, Inc.
Classification: Pathogenic for ERCC2-related disorder. Last evaluated: 2025-07-23. Review status: criteria provided, single submitter. Criteria: Myriad Autosomal Dominant, Autosomal Recessive and X-Linked Classification Criteria (2023). Collection method: clinical testing. Allele origin: unknown.
Comment: NM_000400.3(ERCC2):c.436dupT(Y146Lfs*4) is expected to be pathogenic in the context of ERCC2-related disorders. This variant is predicted to lead to an abnormal or absent protein product due to the creation of a premature termination codon in ERCC2, a gene where loss-of-function variants are known to be pathogenic. Please note: this variant was assessed in the context of healthy population screening.